The following is an entry in ClinVar:

NM_001242896.3(DEPDC5):c.625-2A>G

Gene: DEPDC5 (DEP domain containing 5, GATOR1 subcomplex subunit; plus strand). Cytogenetic location: 22q12.2.
Variant type: single nucleotide variant.
Coding change: c.625-2A>G on transcript NM_001242896.3 (MANE Select); the canonical splice acceptor site of the intron before coding-DNA position 625, A replaced by G.
Molecular consequence: splice acceptor variant.
Genome position (GRCh38, 1-based): chr22:31,792,031, A>G. VCF-style: chr22-31792031-A-G. GRCh37 (hg19) VCF-style: chr22-32188017-A-G.
Other names: c.625-2A>G (NM_001364318.2, NM_001136029.4, NM_014662.6 and 7 more transcripts); c.541-2A>G (NM_001369902.1, NM_001369901.1).
Identifiers: ClinVar variation 1701433 (VCV001701433.39), dbSNP rs1400868304, ClinGen allele CA411288064.

ClinVar aggregate classification (germline): Pathogenic/Likely pathogenic. Review status: criteria provided, multiple submitters, no conflicts (2 of 4 stars). 4 submissions from 4 submitters: Pathogenic (1); Likely pathogenic (3). Last evaluated 2024-10-10.

Conditions:
Epilepsy, familial focal, with variable foci 1 (FFEVF1). Also called: DEPDC5-Related Epilepsy. Identifiers: MedGen C4551983, MONDO:0024556, OMIM 604364.
Familial focal epilepsy with variable foci (FPEVF). Identifiers: Orphanet 98820, MedGen C1858477, MONDO:0020310.

Allele frequency attached by ClinVar (database versions not stated): gnomAD exomes below 0.00001.
gnomAD v4.1: 3 of 1,602,574 alleles (0.00019%); highest among the groups gnomAD compares: Admixed American, 0.0017%; no homozygotes.

Submissions (4):

Victorian Clinical Genetics Services, Murdoch Childrens Research Institute
Classification: Likely pathogenic for Epilepsy, familial focal, with variable foci 1. Last evaluated: 2024-10-10. Review status: criteria provided, single submitter. Criteria: ACMG Guidelines, 2015. Collection method: clinical testing. Allele origin: germline. Affected: yes.
Comment: This variant is classified as Likely pathogenic. Evidence in support of pathogenic classification: Canonical splice site variant without proven consequence on splicing (no functional evidence available); Variant is present in gnomAD <0.01 (v4: 3 heterozygote(s), 0 homozygote(s)); This variant has limited previous evidence of pathogenicity in unrelated individuals. This variant has been reported twice as likely pathogenic by clinical laboratories (ClinVar); Abnormal splicing is predicted by in silico tool and affected nucleotide is highly conserved. Additional information: This variant is heterozygous; This gene is associated with both recessive and dominant disease. Familial focal epilepsy with variable foci 1 (MIM#604364) is autosomal dominant while developmental and epileptic encephalopathy 111 (MIM#620504) is autosomal recessive; No published segregation evidence has been identified for this variant; No published functional evidence has been identified for this variant; No comparable splice site variants have previous evidence for pathogenicity; Loss of function is a known mechanism of disease in this gene and is associated with familial focal epilepsy with variable foci 1 (MIM#604364) and developmental and epileptic encephalopathy 111 (MIM#620504); The condition associated with this gene has incomplete penetrance. Unaffected individuals with pathogenic familial variants are commonly reported, with penetrance estimated to be between 66% and 70% (PMIDs: 30767899, 32848577); Variants in this gene are known to have variable expressivity. Disease presentation in affected individuals is known to vary considerably even within the same family, from mild febrile seizures to severe focal epilepsy with cortical malformations (PMIDs: 27066554, 32848577).

GeneDx
Classification: Pathogenic. Last evaluated: 2024-09-20. Review status: criteria provided, single submitter. Criteria: GeneDx Variant Classification Process June 2021. Collection method: clinical testing. Allele origin: germline. Affected: yes.
Comment: Canonical splice site variant predicted to result in a null allele in a gene for which loss-of-function is a known mechanism of disease; Not observed at significant frequency in large population cohorts (gnomAD); Has not been previously published as pathogenic or benign to our knowledge

Labcorp Genetics (formerly Invitae), Labcorp
Classification: Likely pathogenic for Familial focal epilepsy with variable foci. Last evaluated: 2022-07-14. Review status: criteria provided, single submitter. Criteria: Invitae Variant Classification Sherloc (09022015). Collection method: clinical testing. Allele origin: germline.
Comment: In summary, the currently available evidence indicates that the variant is pathogenic, but additional data are needed to prove that conclusively. Therefore, this variant has been classified as Likely Pathogenic. Algorithms developed to predict the effect of sequence changes on RNA splicing suggest that this variant may disrupt the consensus splice site. This variant has not been reported in the literature in individuals affected with DEPDC5-related conditions. This variant is present in population databases (no rsID available, gnomAD 0.003%). This sequence change affects an acceptor splice site in intron 10 of the DEPDC5 gene. It is expected to disrupt RNA splicing. Variants that disrupt the donor or acceptor splice site typically lead to a loss of protein function (PMID: 16199547), and loss-of-function variants in DEPDC5 are known to be pathogenic (PMID: 23542697, 23542701).

CeGaT Center for Human Genetics Tuebingen
Classification: Likely pathogenic. Last evaluated: 2022-07-01. Review status: criteria provided, single submitter. Criteria: CeGaT Center For Human Genetics Tuebingen Variant Classification Criteria Version 2. Collection method: clinical testing. Allele origin: germline. Affected: yes. Observed: 1 variant allele.
Comment: DEPDC5: PVS1

Literature cited by the submitters: PubMed 30767899 (cited by Victorian Clinical Genetics Services, Murdoch Childrens Research Institute); PubMed 27066554 (cited by Victorian Clinical Genetics Services, Murdoch Childrens Research Institute); PubMed 32848577 (cited by Victorian Clinical Genetics Services, Murdoch Childrens Research Institute); PubMed 16199547 (cited by Labcorp Genetics (formerly Invitae), Labcorp); PubMed 23542697 (cited by Labcorp Genetics (formerly Invitae), Labcorp); PubMed 23542701 (cited by Labcorp Genetics (formerly Invitae), Labcorp).